The following is an entry in ClinVar:

NM_199420.4(POLQ):c.1496C>T (p.Ser499Phe)

Gene: POLQ (DNA polymerase theta; minus strand). Cytogenetic location: 3q13.33.
Variant type: single nucleotide variant.
Coding change: c.1496C>T on transcript NM_199420.4 (MANE Select); coding-DNA position 1496, C replaced by T.
Protein change: p.Ser499Phe; replaces serine 499 with phenylalanine.
Molecular consequence: missense variant.
Genome position (GRCh38, 1-based): chr3:121,512,002, G>A on the plus strand (C>T on the coding strand, the complement: POLQ is on the minus strand). VCF-style: chr3-121512002-G-A. GRCh37 (hg19) VCF-style: chr3-121230849-G-A.
Other names: short protein forms S499F.
Identifiers: ClinVar variation 3229839 (VCV003229839.1), dbSNP rs779491395, ClinGen allele CA2563518.

ClinVar aggregate classification (germline): Uncertain significance (1 of 4 stars; one submission).

Allele frequency attached by ClinVar (database versions not stated): ExAC 0.00001; gnomAD exomes 0.00001.
gnomAD v4.1: 8 of 1,613,536 alleles (0.0005%); highest among the groups gnomAD compares: South Asian, 0.0077%; no homozygotes.

Submission:

Ambry Genetics
Classification: Uncertain significance. Last evaluated: 2023-09-27. Review status: criteria provided, single submitter. Criteria: Ambry Variant Classification Scheme 2023. Collection method: clinical testing. Allele origin: germline.
Comment: The p.S499F variant (also known as c.1496C>T), located in coding exon 10 of the POLQ gene, results from a C to T substitution at nucleotide position 1496. The serine at codon 499 is replaced by phenylalanine, an amino acid with highly dissimilar properties. This amino acid position is conserved. In addition, this alteration is predicted to be tolerated by in silico analysis. Since supporting evidence is limited at this time, the clinical significance of this alteration remains unclear.